The following is an entry in ClinVar:

ClinVar aggregate classification (germline): Uncertain significance (1 of 4 stars; one submission).

Conditions:
Kabuki syndrome. Also called: NIIKAWA-KUROKI SYNDROME; Kabuki make-up syndrome. Identifiers: Orphanet 2322, MedGen C0796004, MONDO:0016512.

Submission:

Labcorp Genetics (formerly Invitae), Labcorp
Classification: Uncertain significance for Kabuki syndrome. Last evaluated: 2025-10-17. Review status: criteria provided, single submitter. Criteria: Invitae Variant Classification Sherloc (09022015). Collection method: clinical testing. Allele origin: germline.
Comment: This sequence change replaces methionine, which is neutral and non-polar, with threonine, which is neutral and polar, at codon 438 of the KMT2D protein (p.Met438Thr). This variant is not present in population databases (gnomAD no frequency). This variant has not been reported in the literature in individuals affected with KMT2D-related conditions. Invitae Evidence Modeling of protein sequence and biophysical properties (such as structural, functional, and spatial information, amino acid conservation, physicochemical variation, residue mobility, and thermodynamic stability) indicates that this missense variant is not expected to disrupt KMT2D protein function with a negative predictive value of 95%. In summary, the available evidence is currently insufficient to determine the role of this variant in disease. Therefore, it has been classified as a Variant of Uncertain Significance.

NM_003482.4(KMT2D):c.1313T>C (p.Met438Thr)

Gene: KMT2D (lysine methyltransferase 2D; minus strand). Cytogenetic location: 12q13.12.
Variant type: single nucleotide variant.
Coding change: c.1313T>C on transcript NM_003482.4 (MANE Select); coding-DNA position 1313, T replaced by C.
Protein change: p.Met438Thr; replaces methionine 438 with threonine.
Molecular consequence: missense variant.
Genome position (GRCh38, 1-based): chr12:49,052,370, A>G on the plus strand (T>C on the coding strand, the complement: KMT2D is on the minus strand). VCF-style: chr12-49052370-A-G. GRCh37 (hg19) VCF-style: chr12-49446153-A-G.
Other names: short protein forms M438T.
Identifiers: ClinVar variation 4801263 (VCV004801263.1).